The following is an entry in ClinVar:

ClinVar aggregate classification (germline): Benign. Review status: criteria provided, multiple submitters, no conflicts (2 of 4 stars). 2 submissions from 2 submitters: Benign (2). Last evaluated 2018-06-14.

Allele frequency attached by ClinVar (database versions not stated): gnomAD 0.19491 and 0.20056; TOPMed 0.19572; 1000 Genomes Project 30x 0.21986; 1000 Genomes Project 0.22264.
gnomAD v4.1: 30,508 of 151,946 alleles (20%); highest among the groups gnomAD compares: East Asian, 33%; 3,577 homozygotes.

Submissions (2):

GeneDx
Classification: Benign. Last evaluated: 2018-06-14. Review status: criteria provided, single submitter. Criteria: GeneDx Variant Classification (06012015). Collection method: clinical testing. Allele origin: germline. Affected: yes.
Comment: This variant is considered likely benign or benign based on one or more of the following criteria: it is a conservative change, it occurs at a poorly conserved position in the protein, it is predicted to be benign by multiple in silico algorithms, and/or has population frequency not consistent with disease.

Breakthrough Genomics
Classification: Benign. Review status: criteria provided, single submitter. Criteria: ACMG Guidelines, 2015. Collection method: not provided. Allele origin: germline. Inheritance: Autosomal recessive inheritance. Affected: yes.

NM_015404.4(WHRN):c.2237-190T>C

Gene: WHRN (whirlin; minus strand). Cytogenetic location: 9q32.
Variant type: single nucleotide variant.
Coding change: c.2237-190T>C on transcript NM_015404.4 (MANE Select); 190 bases into the intron before coding-DNA position 2237, T replaced by C.
Molecular consequence: intron variant.
Genome position (GRCh38, 1-based): chr9:114,404,267, A>G on the plus strand (T>C on the coding strand, the complement: WHRN is on the minus strand). VCF-style: chr9-114404267-A-G. GRCh37 (hg19) VCF-style: chr9-117166547-A-G.
Other names: c.2237-193T>C (NM_001173425.2); c.1088-190T>C (NM_001083885.3); c.1184-190T>C (NM_001346890.1).
Identifiers: ClinVar variation 678811 (VCV000678811.2), dbSNP rs766835, ClinGen allele CA15604917.